The following is an entry in ClinVar:

NM_004646.4(NPHS1):c.3356_3357dup (p.Thr1120fs)

Gene: NPHS1 (NPHS1 adhesion molecule, nephrin; minus strand). Cytogenetic location: 19q13.12.
Variant type: Duplication.
Coding change: c.3356_3357dup on transcript NM_004646.4 (MANE Select); coding-DNA positions 3356 to 3357, 2 bases duplicated (GG; older notation c.3356_3357dupGG).
Protein change: p.Thr1120fs; shifts the reading frame from threonine 1120.
Molecular consequence: frameshift variant.
Genome position (GRCh38, 1-based): chr19:35,831,326-35,831,327, CC duplicated on the plus strand (GG on the coding strand, the reverse complement: NPHS1 is on the minus strand). VCF-style (leftmost placement, unchanged base first): chr19-35831325-T-TCC. GRCh37 (hg19) VCF-style: chr19-36322227-T-TCC.
Other names: c.3356_3357dupGG (NM_004646.3); short protein forms T1120fs.
Identifiers: ClinVar variation 56498 (VCV000056498.2), dbSNP rs386833937, ClinGen allele CA250227.

ClinVar aggregate classification (germline): Likely pathogenic (0 of 4 stars; one submission).

Conditions:
Finnish congenital nephrotic syndrome (NPHS1). Also called: NEPHROTIC SYNDROME, TYPE 1. Identifiers: Orphanet 839, MedGen C0403399, MONDO:0009732, OMIM 256300.

Submission:

Juha Muilu Group; Institute for Molecular Medicine Finland (FIMM)
Classification: Likely pathogenic for Finnish congenital nephrotic syndrome. Review status: no assertion criteria provided. Collection method: not provided. Allele origin: unknown.
Comment: FinDis database variant: This variant was not found or characterized by our laboratory, data were collected from public sources: see reference
ClinVar note: Converted during submission from probable-pathogenic to Likely pathogenic.